The following is an entry in ClinVar:

NM_032520.5(GNPTG):c.605C>T (p.Pro202Leu)

Gene: GNPTG (N-acetylglucosamine-1-phosphate transferase subunit gamma; plus strand). Cytogenetic location: 16p13.3.
Variant type: single nucleotide variant.
Coding change: c.605C>T on transcript NM_032520.5 (MANE Select); coding-DNA position 605, C replaced by T.
Protein change: p.Pro202Leu; replaces proline 202 with leucine.
Molecular consequence: missense variant.
Genome position (GRCh38, 1-based): chr16:1,362,530, C>T. VCF-style: chr16-1362530-C-T. GRCh37 (hg19) VCF-style: chr16-1412531-C-T.
Other names: c.605C>T (NM_032520.4); short protein forms P202L.
Identifiers: ClinVar variation 1419641 (VCV001419641.6), dbSNP rs750752675, ClinGen allele CA394188358.

ClinVar aggregate classification (germline): Uncertain significance. Review status: criteria provided, multiple submitters, no conflicts (2 of 4 stars). 2 submissions from 2 submitters: Uncertain significance (2). Last evaluated 2025-11-08.

Conditions:
Inborn genetic diseases. Identifiers: MedGen C0950123, MeSH D030342.

gnomAD v4.1: 3 of 1,614,172 alleles (0.00019%); highest among the groups gnomAD compares: Admixed American, 0.0033%; no homozygotes.

Submissions (2):

Ambry Genetics
Classification: Uncertain significance for Inborn genetic diseases. Last evaluated: 2025-11-08. Review status: criteria provided, single submitter. Criteria: Ambry Variant Classification Scheme 2023. Collection method: clinical testing. Allele origin: germline.

Labcorp Genetics (formerly Invitae), Labcorp
Classification: Uncertain significance. Last evaluated: 2021-08-14. Review status: criteria provided, single submitter. Criteria: Invitae Variant Classification Sherloc (09022015). Collection method: clinical testing. Allele origin: germline.
Comment: This sequence change replaces proline with leucine at codon 202 of the GNPTG protein (p.Pro202Leu). The proline residue is weakly conserved and there is a moderate physicochemical difference between proline and leucine. This variant is not present in population databases (ExAC no frequency). This variant has not been reported in the literature in individuals affected with GNPTG-related conditions. Algorithms developed to predict the effect of missense changes on protein structure and function output the following: SIFT: "Tolerated"; PolyPhen-2: "Benign"; Align-GVGD: "Class C0". The leucine amino acid residue is found in multiple mammalian species, which suggests that this missense change does not adversely affect protein function. In summary, the available evidence is currently insufficient to determine the role of this variant in disease. Therefore, it has been classified as a Variant of Uncertain Significance.